The following is an entry in ClinVar:

ClinVar aggregate classification (germline): Uncertain significance. Review status: criteria provided, multiple submitters, no conflicts (2 of 4 stars). 5 submissions from 5 submitters: Uncertain significance (3). 2 of the submissions do not count toward it. Last evaluated 2024-08-13.

Conditions:
Bardet-Biedl syndrome 13 (BBS13). Identifiers: Orphanet 110, MedGen C2673873, MONDO:0014441, OMIM 615990.
Meckel syndrome, type 1 (MKS1). Also called: MECKEL-GRUBER SYNDROME, TYPE 1. Identifiers: Orphanet 564, MedGen C3714506, MONDO:0009571, OMIM 249000.
Joubert syndrome 28 (JBTS28). Identifiers: MedGen C4310705, MONDO:0014928, OMIM 617121.
Meckel-Gruber syndrome. Also called: Dysencephalia splachnocystica; DYSENCEPHALIA SPLANCHNOCYSTICA; GRUBER SYNDROME. Identifiers: Orphanet 564, MedGen C0265215, MONDO:0018921.
Joubert syndrome. Also called: CEREBELLOPARENCHYMAL DISORDER IV; JOUBERT-BOLTSHAUSER SYNDROME; Familial aplasia of the vermis. Identifiers: Orphanet 475, MedGen C5979921, MONDO:0018772.

Allele frequency attached by ClinVar (database versions not stated): gnomAD exomes 0.00002 and 0.00003; gnomAD 0.00003; TOPMed 0.00003; ExAC 0.00004.

Submissions (5):

GeneDx
Classification: Uncertain significance. Last evaluated: 2024-08-13. Review status: criteria provided, single submitter. Criteria: GeneDx Variant Classification Process June 2021. Collection method: clinical testing. Allele origin: germline. Affected: yes.
Comment: Not observed at significant frequency in large population cohorts (gnomAD); In silico analysis supports that this missense variant has a deleterious effect on protein structure/function; Has not been previously published as pathogenic or benign to our knowledge

Labcorp Genetics (formerly Invitae), Labcorp
Classification: Uncertain significance for Joubert syndrome; Meckel-Gruber syndrome. Last evaluated: 2022-10-05. Review status: criteria provided, single submitter. Criteria: Invitae Variant Classification Sherloc (09022015). Collection method: clinical testing. Allele origin: germline.
Comment: This sequence change replaces proline, which is neutral and non-polar, with leucine, which is neutral and non-polar, at codon 392 of the MKS1 protein (p.Pro392Leu). This variant is present in population databases (rs763534380, gnomAD 0.005%). This variant has not been reported in the literature in individuals affected with MKS1-related conditions. ClinVar contains an entry for this variant (Variation ID: 219658). Advanced modeling of protein sequence and biophysical properties (such as structural, functional, and spatial information, amino acid conservation, physicochemical variation, residue mobility, and thermodynamic stability) performed at Invitae indicates that this missense variant is not expected to disrupt MKS1 protein function. In summary, the available evidence is currently insufficient to determine the role of this variant in disease. Therefore, it has been classified as a Variant of Uncertain Significance.

Revvity Omics, Revvity
Classification: Uncertain significance. Last evaluated: 2021-01-25. Review status: criteria provided, single submitter. Criteria: ACMG Guidelines, 2015. Collection method: clinical testing. Allele origin: germline.

Natera, Inc.
Classification: Uncertain significance for Meckel syndrome type 1. Last evaluated: 2021-02-02. Review status: no assertion criteria provided. Collection method: clinical testing. Allele origin: germline. Not counted in ClinVar's aggregate classification.

Counsyl
Classification: Uncertain significance for Meckel syndrome, type 1; Bardet-Biedl syndrome 13; Joubert syndrome 28. Last evaluated: 2017-03-08. Review status: no assertion criteria provided. Collection method: clinical testing. Allele origin: unknown. Not counted in ClinVar's aggregate classification.

NM_017777.4(MKS1):c.1175C>T (p.Pro392Leu)

Gene: MKS1 (MKS transition zone complex subunit 1; minus strand). Cytogenetic location: 17q22.
Variant type: single nucleotide variant.
Coding change: c.1175C>T on transcript NM_017777.4 (MANE Select); coding-DNA position 1175, C replaced by T.
Protein change: p.Pro392Leu; replaces proline 392 with leucine.
Molecular consequence: missense variant.
Genome position (GRCh38, 1-based): chr17:58,207,992, G>A on the plus strand (C>T on the coding strand, the complement: MKS1 is on the minus strand). VCF-style: chr17-58207992-G-A. GRCh37 (hg19) VCF-style: chr17-56285353-G-A.
Other names: c.566C>T, p.Pro189Leu (NM_001321268.2); c.1175C>T, p.Pro392Leu (NM_001321269.2, NM_001330397.2); short protein forms P392L, P189L.
Identifiers: ClinVar variation 219658 (VCV000219658.8), dbSNP rs763534380, ClinGen allele CA348828.
Genomic context (GRCh38, chr17:58,207,992, plus strand): 5'-ACACGGTACCTCTGCCAGAAGTCCAGCGAGAGGACCTCACAGTAGAGCACAGGCCACTCC[G>A]GGAGTGCATCTGGGAGCAAGGAGAGAAGCGGCCAGGTCACAGGCGGCCTTCACCAAGAGA-3'
Protein context (NP_060247.2, residues 382-402): LHEDESSDAL[Pro392Leu]EWPVLYCEVL